The following is an entry in ClinVar:

ClinVar aggregate classification (germline): Uncertain significance. Review status: criteria provided, multiple submitters, no conflicts (2 of 4 stars). 2 submissions from 2 submitters: Uncertain significance (2). Last evaluated 2019-08-09.

Conditions:
Hereditary breast ovarian cancer syndrome. Also called: Hereditary breast and/or ovarian cancer syndrome; Hereditary breast and ovarian cancer syndrome (HBOC); Breast and ovarian cancer; Hereditary breast and ovarian cancer; BRCA1- and BRCA2-Associated Hereditary Breast and Ovarian Cancer; Hereditary breast and ovarian cancer syndrome. Identifiers: Orphanet 145, MedGen C0677776, MeSH D061325, MONDO:0003582. Disease mechanism: loss of function.

Allele frequency attached by ClinVar (database versions not stated): gnomAD exomes below 0.00001.
gnomAD v4.1: 1 of 1,567,588 alleles (0.000064%); highest among the groups gnomAD compares: East Asian, 0.0022%; no homozygotes.

Submissions (2):

Women's Health and Genetics/Laboratory Corporation of America, LabCorp
Classification: Uncertain significance. Last evaluated: 2019-08-09. Review status: criteria provided, single submitter. Criteria: LabCorp Variant Classification Summary - May 2015. Collection method: clinical testing. Allele origin: germline.
Comment: Variant summary: FAM175A c.643A>T (p.Ile215Leu) results in a conservative amino acid change located in the MPN domain (IPR037518) of the encoded protein sequence. Three of five in-silico tools predict a damaging effect of the variant on protein function. The variant was absent in 243426 control chromosomes. The available data on variant occurrences in the general population are insufficient to allow any conclusion about variant significance. To our knowledge, no occurrence of c.643A>T in individuals affected with Hereditary Breast and Ovarian Cancer and no experimental evidence demonstrating its impact on protein function have been reported. No clinical diagnostic laboratories have submitted clinical-significance assessments for this variant to ClinVar after 2014. Based on the evidence outlined above, the variant was classified as uncertain significance.

Cancer Genomics Group, Japanese Foundation For Cancer Research
Classification: Uncertain significance for Hereditary breast and ovarian cancer syndrome. Last evaluated: 2019-05-01. Review status: criteria provided, single submitter. Criteria: ACMG Guidelines, 2015. Collection method: research. Allele origin: germline. Affected: yes.

NM_139076.3(ABRAXAS1):c.643A>T (p.Ile215Leu)

Gene: ABRAXAS1 (abraxas 1, BRCA1 A complex subunit; minus strand). Cytogenetic location: 4q21.23.
Variant type: single nucleotide variant.
Coding change: c.643A>T on transcript NM_139076.3 (MANE Select); coding-DNA position 643, A replaced by T.
Protein change: p.Ile215Leu; replaces isoleucine 215 with leucine.
Molecular consequence: missense variant.
Genome position (GRCh38, 1-based): chr4:83,467,492, T>A on the plus strand (A>T on the coding strand, the complement: ABRAXAS1 is on the minus strand). VCF-style: chr4-83467492-T-A. GRCh37 (hg19) VCF-style: chr4-84388645-T-A.
Other names: c.316A>T, p.Ile106Leu (NM_001345962.2); short protein forms I106L, I215L.
Identifiers: ClinVar variation 830300 (VCV000830300.3), dbSNP rs1578126311, ClinGen allele CA357258738.